The following is an entry in ClinVar:

NM_025074.7(FRAS1):c.2905del (p.Pro968_Leu969insTer)

Gene: FRAS1 (Fraser extracellular matrix complex subunit 1; plus strand). Cytogenetic location: 4q21.21.
Variant type: Deletion.
Coding change: c.2905del on transcript NM_025074.7 (MANE Select); coding-DNA position 2905, one base deleted (C; older notation c.2905delC).
Protein change: p.Pro968_Leu969insTer.
Molecular consequence: nonsense.
Genome position (GRCh38, 1-based): chr4:78,372,753, C deleted; the last of 4 consecutive C bases (chr4:78,372,750-78,372,753); deleting any one gives the same sequence. VCF-style (leftmost placement, unchanged base first): chr4-78372749-GC-G. GRCh37 (hg19) VCF-style: chr4-79293903-GC-G.
Other names: c.2905del, p.Pro968_Leu969insTer (NM_001166133.2).
Identifiers: ClinVar variation 2743975 (VCV002743975.3), dbSNP rs2476897618, ClinGen allele CA2697546764.

ClinVar aggregate classification (germline): Pathogenic (1 of 4 stars; one submission).

Submission:

Labcorp Genetics (formerly Invitae), Labcorp
Classification: Pathogenic. Last evaluated: 2023-07-16. Review status: criteria provided, single submitter. Criteria: Invitae Variant Classification Sherloc (09022015). Collection method: clinical testing. Allele origin: germline.
Comment: For these reasons, this variant has been classified as Pathogenic. This variant has not been reported in the literature in individuals affected with FRAS1-related conditions. This variant is not present in population databases (gnomAD no frequency). This sequence change creates a premature translational stop signal (p.Leu969*) in the FRAS1 gene. It is expected to result in an absent or disrupted protein product. Loss-of-function variants in FRAS1 are known to be pathogenic (PMID: 12766769, 18671281).

Literature cited by the submitters: PubMed 12766769; PubMed 18671281.